The following is an entry in ClinVar:

NM_000455.5(STK11):c.480G>T (p.Leu160=)

Gene: STK11 (serine/threonine kinase 11; plus strand). Cytogenetic location: 19p13.3.
Variant type: single nucleotide variant.
Coding change: c.480G>T on transcript NM_000455.5 (MANE Select); coding-DNA position 480, G replaced by T.
Protein change: p.Leu160=; no amino-acid change (leucine 160 retained).
Molecular consequence: synonymous variant.
Genome position (GRCh38, 1-based): chr19:1,220,388, G>T. VCF-style: chr19-1220388-G-T. GRCh37 (hg19) VCF-style: chr19-1220387-G-T.
Identifiers: ClinVar variation 509858 (VCV000509858.20), dbSNP rs1176365465, ClinGen allele CA504706639.

ClinVar aggregate classification (germline): Benign/Likely benign. Review status: criteria provided, multiple submitters, no conflicts (2 of 4 stars). 8 submissions from 8 submitters: Benign (1); Likely benign (6). 1 of the submissions does not count toward it. Last evaluated 2026-01-26.

Conditions:
Hereditary cancer-predisposing syndrome. Also called: Hereditary neoplastic syndrome; Tumor predisposition; Neoplastic Syndromes, Hereditary; Hereditary Cancer Syndrome. Identifiers: Orphanet 140162, MedGen C0027672, MeSH D009386, MONDO:0015356.
Carcinoma of colon (CRC). Also called: Colon carcinoma; Colonic carcinoma. Identifiers: MedGen C0699790, MONDO:0002032.
Peutz-Jeghers syndrome (PJS). Also called: POLYPOSIS, HAMARTOMATOUS INTESTINAL; POLYPS-AND-SPOTS SYNDROME; Peutz-Jeghers polyposis; Periorificial lentiginosis syndrome. Identifiers: Orphanet 2869, MedGen C0031269, MeSH D010580, MONDO:0008280, OMIM 175200.

Allele frequency attached by ClinVar (database versions not stated): gnomAD 0.00001.

Submissions (8):

Labcorp Genetics (formerly Invitae), Labcorp
Classification: Likely benign for Peutz-Jeghers syndrome. Last evaluated: 2026-01-26. Review status: criteria provided, single submitter. Criteria: Invitae Variant Classification Sherloc (09022015). Collection method: clinical testing. Allele origin: germline.

Myriad Genetics, Inc.
Classification: Benign for Peutz-Jeghers syndrome. Last evaluated: 2025-03-26. Review status: criteria provided, single submitter. Criteria: Myriad Autosomal Dominant, Autosomal Recessive and X-Linked Classification Criteria (2023). Collection method: clinical testing. Allele origin: unknown.
Comment: This variant is considered benign. This variant is a silent/synonymous amino acid change and it is not expected to impact splicing.

All of Us Research Program, National Institutes of Health
Classification: Likely benign for Peutz-Jeghers syndrome. Last evaluated: 2023-06-28. Review status: criteria provided, single submitter. Criteria: ACMG Guidelines, 2015. Collection method: clinical testing. Allele origin: germline. Inheritance: Autosomal dominant inheritance. Observed: 1 variant allele, 1 heterozygote.
Comment: This study involves interpretation of variants in research participants for the purpose of population health screening. Participant phenotype was not available at the time of variant classification. Additional details can be found in publication PMID: 35346344, PMCID: PMC8962531

Sema4
Classification: Likely benign for Hereditary cancer-predisposing syndrome. Last evaluated: 2021-09-14. Review status: criteria provided, single submitter. Criteria: Sema4 Curation Guidelines. Collection method: curation. Allele origin: germline.

Ambry Genetics
Classification: Likely benign for Hereditary cancer-predisposing syndrome. Last evaluated: 2020-01-24. Review status: criteria provided, single submitter. Criteria: Ambry Variant Classification Scheme 2023. Collection method: clinical testing. Allele origin: germline.

Color Diagnostics, LLC DBA Color Health
Classification: Likely benign for Hereditary cancer-predisposing syndrome. Last evaluated: 2017-12-05. Review status: criteria provided, single submitter. Criteria: ACMG Guidelines, 2015. Collection method: clinical testing. Allele origin: germline.

GeneDx
Classification: Likely benign. Last evaluated: 2017-05-26. Review status: criteria provided, single submitter. Criteria: GeneDx Variant Classification (06012015). Collection method: clinical testing. Allele origin: germline. Affected: yes.
Comment: This variant is considered likely benign or benign based on one or more of the following criteria: it is a conservative change, it occurs at a poorly conserved position in the protein, it is predicted to be benign by multiple in silico algorithms, and/or has population frequency not consistent with disease.

Department of Pathology and Laboratory Medicine, Sinai Health System
Classification: Likely benign for Carcinoma of colon. Review status: no assertion criteria provided. Collection method: clinical testing. Allele origin: unknown. Affected: yes. Study: The Canadian Open Genetics Repository (COGR). Not counted in ClinVar's aggregate classification.
Comment: The STK11 p.Leu160= variant was not identified in the literature nor was it identified in the dbSNP, Cosmic, LOVD 3.0, Zhejiang University Database, or Insight Hereditary Tumors databases. The variant was only identified in ClinVar (classified as likely benign by GeneDx). The variant was not identified in the following control databases: the 1000 Genomes Project, the NHLBI GO Exome Sequencing Project, the Exome Aggregation Consortium (August 8th 2016), or the Genome Aggregation Database (Feb 27, 2017). The p.Leu160= variant is not expected to have clinical significance because it does not result in a change of amino acid and is not located in a known consensus splice site. In addition, in silico or computational prediction software programs (SpliceSiteFinder, MaxEntScan, NNSPLICE, GeneSplicer, HumanSpliceFinder) do not predict a difference in splicing. In summary, based on the above information the clinical significance of this variant cannot be determined with certainty at this time although we would lean towards a more benign role for this variant. This variant is classified as likely benign.